The following is an entry in ClinVar:

ClinVar aggregate classification (germline): Benign/Likely benign. Review status: criteria provided, multiple submitters, no conflicts (2 of 4 stars). 14 submissions from 14 submitters: Benign (8); Likely benign (1). 5 of the submissions do not count toward it. Last evaluated 2026-02-04.

Conditions:
Inborn genetic diseases. Identifiers: MedGen C0950123, MeSH D030342.
Neuronal ceroid lipofuscinosis. Also called: Neuronal Ceroid Lipofuscinoses. Identifiers: Orphanet 216, Orphanet 79263, MedGen C0027877, MONDO:0016295. Disease mechanism: loss of function.
Neuronal ceroid lipofuscinosis 5 (CLN5). Also called: CEROID LIPOFUSCINOSIS, NEURONAL, 5, VARIABLE AGE AT ONSET; Neuronal ceroid lipofuscinosis Finnish variant; NEURONAL CEROID LIPOFUSCINOSIS, LATE INFANTILE, FINNISH VARIANT; CLN5-Related Neuronal Ceroid-Lipofuscinosis. Identifiers: Orphanet 168491, Orphanet 228360, MedGen C1850442, MONDO:0009745, OMIM 256731.

Allele frequency attached by ClinVar (database versions not stated): ESP Exome Variant Server 0.06638; gnomAD exomes 0.07174; gnomAD 0.07840; ExAC 0.08932; TOPMed 0.09240; 1000 Genomes Project 30x 0.11102; 1000 Genomes Project 0.11202.

Submissions (14):

Labcorp Genetics (formerly Invitae), Labcorp
Classification: Benign for Neuronal ceroid lipofuscinosis. Last evaluated: 2026-02-04. Review status: criteria provided, single submitter. Criteria: Invitae Variant Classification Sherloc (09022015). Collection method: clinical testing. Allele origin: germline.

Unidad de Genómica Garrahan, Hospital de Pediatría Garrahan
Classification: Benign. Last evaluated: 2024-07-31. Review status: criteria provided, single submitter. Criteria: ACMG Guidelines, 2015. Collection method: clinical testing. Allele origin: germline. Affected: no. Observed: 22 variant alleles.
Comment: This variant is classified as Benign based on local population frequency. This variant was detected in 24% of patients studied in a panel designed for Epileptic and Developmental Encephalopathy, Progressive Myoclonus Epilepsy and Abnormal Movements and Neurodegeneration with brain iron accumulation. Number of patients: 22. Only high quality variants are reported.

Genome-Nilou Lab
Classification: Benign for Neuronal ceroid lipofuscinosis 5. Last evaluated: 2021-07-10. Review status: criteria provided, single submitter. Criteria: ACMG Guidelines, 2015. Collection method: clinical testing. Allele origin: germline. Affected: no.

Illumina Laboratory Services, Illumina
Classification: Benign for Neuronal ceroid lipofuscinosis 5. Last evaluated: 2018-01-13. Review status: criteria provided, single submitter. Criteria: ICSL Variant Classification Criteria 13 December 2019. Collection method: clinical testing. Allele origin: germline.
Comment: This variant was observed in the ICSL laboratory as part of a predisposition screen in an ostensibly healthy population. It had not been previously curated by ICSL or reported in the Human Gene Mutation Database (HGMD: prior to June 1st, 2018), and was therefore a candidate for classification through an automated scoring system. Utilizing variant allele frequency, disease prevalence and penetrance estimates, and inheritance mode, an automated score was calculated to assess if this variant is too frequent to cause the disease. Based on the score and internal cut-off values, a variant classified as benign is not then subjected to further curation. The score for this variant resulted in a classification of benign for this disease.

Eurofins Ntd Llc (ga)
Classification: Benign. Last evaluated: 2016-04-13. Review status: criteria provided, single submitter. Criteria: EGL Classification Definitions 2015. Collection method: clinical testing. Allele origin: germline. Observed: 5 variant alleles, 4 heterozygotes, 1 homozygote.

Ambry Genetics
Classification: Benign for Inborn genetic diseases. Last evaluated: 2016-03-02. Review status: criteria provided, single submitter. Criteria: Ambry Variant Classification Scheme 2023. Collection method: clinical testing. Allele origin: germline.

GeneDx
Classification: Benign. Last evaluated: 2015-03-03. Review status: criteria provided, single submitter. Criteria: GeneDx Variant Classification Process June 2021. Collection method: clinical testing. Allele origin: germline. Affected: yes.

Breakthrough Genomics
Classification: Likely benign. Review status: criteria provided, single submitter. Criteria: ACMG Guidelines, 2015. Collection method: not provided. Allele origin: germline. Inheritance: Autosomal recessive inheritance. Affected: yes.

PreventionGenetics, part of Exact Sciences
Classification: Benign. Review status: criteria provided, single submitter. Criteria: ACMG Guidelines, 2015. Collection method: clinical testing. Allele origin: germline.

Natera, Inc.
Classification: Benign for Neuronal ceroid lipofuscinosis. Last evaluated: 2020-09-16. Review status: no assertion criteria provided. Collection method: clinical testing. Allele origin: germline. Not counted in ClinVar's aggregate classification.

Mayo Clinic Laboratories, Mayo Clinic
Classification: Benign. Last evaluated: 2015-10-22. Review status: no assertion criteria provided. Collection method: clinical testing. Allele origin: unknown. Not counted in ClinVar's aggregate classification.

Clinical Genetics DNA and cytogenetics Diagnostics Lab, Erasmus MC, Erasmus Medical Center
Classification: Benign. Review status: no assertion criteria provided. Collection method: clinical testing. Allele origin: germline. Affected: yes. Study: VKGL Data-share Consensus. Not counted in ClinVar's aggregate classification.

Genetic Services Laboratory, University of Chicago
Classification: Likely benign for AllHighlyPenetrant. Review status: no assertion criteria provided. Collection method: clinical testing. Allele origin: germline. Inheritance: Autosomal recessive inheritance. Not counted in ClinVar's aggregate classification.
Comment: Likely benign based on allele frequency in 1000 Genomes Project or ESP global frequency and its presence in a patient with a rare or unrelated disease phenotype. NOT Sanger confirmed.

Genome Diagnostics Laboratory, Amsterdam University Medical Center
Classification: Benign. Review status: no assertion criteria provided. Collection method: clinical testing. Allele origin: germline. Affected: yes. Study: VKGL Data-share Consensus. Not counted in ClinVar's aggregate classification.

NM_006493.4(CLN5):c.-76A>G

Gene: CLN5 (CLN5 lysosomal BMP synthase; plus strand). Cytogenetic location: 13q22.3.
Variant type: single nucleotide variant.
Coding change: c.-76A>G on transcript NM_006493.4 (MANE Select); 76 bases upstream of the start codon, A replaced by G.
Genome position (GRCh38, 1-based): chr13:76,992,023, A>G. VCF-style: chr13-76992023-A-G. GRCh37 (hg19) VCF-style: chr13-77566158-A-G.
Identifiers: ClinVar variation 95398 (VCV000095398.37), dbSNP rs7987664, ClinGen allele CA148516.